The following is an entry in ClinVar:

ClinVar aggregate classification (germline): Uncertain significance (1 of 4 stars; one submission).

Conditions:
Asphyxiating thoracic dystrophy 5 (SRTD5). Also called: SHORT-RIB THORACIC DYSPLASIA 5 WITHOUT POLYDACTYLY; SHORT-RIB THORACIC DYSPLASIA 5 WITH OR WITHOUT POLYDACTYLY. Identifiers: Orphanet 474, MedGen C3280598, MONDO:0013717, OMIM 614376.
Senior-Loken syndrome 8 (SLSN8). Identifiers: Orphanet 3156, MedGen C4225376, MONDO:0014579, OMIM 616307.

Submission:

Labcorp Genetics (formerly Invitae), Labcorp
Classification: Uncertain significance for Senior-Loken syndrome 8; Asphyxiating thoracic dystrophy 5. Last evaluated: 2022-10-13. Review status: criteria provided, single submitter. Criteria: Invitae Variant Classification Sherloc (09022015). Collection method: clinical testing. Allele origin: germline.
Comment: This sequence change replaces glycine, which is neutral and non-polar, with alanine, which is neutral and non-polar, at codon 26 of the WDR19 protein (p.Gly26Ala). In summary, the available evidence is currently insufficient to determine the role of this variant in disease. Therefore, it has been classified as a Variant of Uncertain Significance. Advanced modeling of protein sequence and biophysical properties (such as structural, functional, and spatial information, amino acid conservation, physicochemical variation, residue mobility, and thermodynamic stability) has been performed at Invitae for this missense variant, however the output from this modeling did not meet the statistical confidence thresholds required to predict the impact of this variant on WDR19 protein function. ClinVar contains an entry for this variant (Variation ID: 1477800). This variant has not been reported in the literature in individuals affected with WDR19-related conditions. This variant is not present in population databases (gnomAD no frequency).

NM_025132.4(WDR19):c.77G>C (p.Gly26Ala)

Gene: WDR19 (WD repeat domain 19; plus strand). Cytogenetic location: 4p14.
Variant type: single nucleotide variant.
Coding change: c.77G>C on transcript NM_025132.4 (MANE Select); coding-DNA position 77, G replaced by C.
Protein change: p.Gly26Ala; replaces glycine 26 with alanine.
Molecular consequence: missense variant. On other transcripts: 5 prime UTR variant (1).
Genome position (GRCh38, 1-based): chr4:39,185,796, G>C. VCF-style: chr4-39185796-G-C. GRCh37 (hg19) VCF-style: chr4-39187416-G-C.
Other names: c.-288G>C (NM_001317924.2); short protein forms G26A.
Identifiers: ClinVar variation 1477800 (VCV001477800.6), dbSNP rs2109740825, ClinGen allele CA356630489.
Genomic context (GRCh38, chr4:39,185,796, plus strand): 5'-CACTGCTAGAAAAGACTTGGCTTGGCGCACCAATACAGTTTGCCTGGCAAAAAACATCAG[G>C]AAACTACCTTGCAGTAACAGGGTAAGAAACCAATGAATGTTTTAAGCAGTGGTTGCATGC-3'
Protein context (NP_079408.3, residues 16-36): PIQFAWQKTS[Gly26Ala]NYLAVTGADY